The following is an entry in ClinVar:

ClinVar aggregate classification (germline): Uncertain significance. Review status: criteria provided, multiple submitters, no conflicts (2 of 4 stars). 2 submissions from 2 submitters: Uncertain significance (2). Last evaluated 2025-02-11.

Conditions:
Autosomal dominant childhood-onset proximal spinal muscular atrophy with contractures (SMALED2A). Also called: Spinal muscular atrophy, lower extremity-predominant, 2A, autosomal dominant; SPINAL MUSCULAR ATROPHY, LOWER EXTREMITY-PREDOMINANT, 2A, CHILDHOOD ONSET, AUTOSOMAL DOMINANT. Identifiers: Orphanet 363447, Orphanet 363454, MedGen C4747715, MONDO:0014121, OMIM 615290.

Allele frequency attached by ClinVar (database versions not stated): gnomAD exomes below 0.00001; gnomAD 0.00001; TOPMed 0.00001; ESP Exome Variant Server 0.00008.
gnomAD v4.1: 3 of 1,613,848 alleles (0.00019%); highest among the groups gnomAD compares: Non-Finnish European, 0.00025%; no homozygotes.

Submissions (2):

GeneDx
Classification: Uncertain significance. Last evaluated: 2025-02-11. Review status: criteria provided, single submitter. Criteria: GeneDx Variant Classification Process June 2021. Collection method: clinical testing. Allele origin: germline. Affected: yes.
Comment: Not observed at significant frequency in large population cohorts (gnomAD); In silico analysis indicates that this missense variant does not alter protein structure/function; Has not been previously published as pathogenic or benign to our knowledge

Labcorp Genetics (formerly Invitae), Labcorp
Classification: Uncertain significance for Autosomal dominant childhood-onset proximal spinal muscular atrophy with contractures. Last evaluated: 2024-05-17. Review status: criteria provided, single submitter. Criteria: Invitae Variant Classification Sherloc (09022015). Collection method: clinical testing. Allele origin: germline.
Comment: This sequence change replaces glutamic acid, which is acidic and polar, with lysine, which is basic and polar, at codon 670 of the BICD2 protein (p.Glu670Lys). This variant is not present in population databases (gnomAD no frequency). This variant has not been reported in the literature in individuals affected with BICD2-related conditions. ClinVar contains an entry for this variant (Variation ID: 1486395). Advanced modeling of protein sequence and biophysical properties (such as structural, functional, and spatial information, amino acid conservation, physicochemical variation, residue mobility, and thermodynamic stability) performed at Invitae indicates that this missense variant is not expected to disrupt BICD2 protein function with a negative predictive value of 80%. In summary, the available evidence is currently insufficient to determine the role of this variant in disease. Therefore, it has been classified as a Variant of Uncertain Significance.

NM_001003800.2(BICD2):c.2008G>A (p.Glu670Lys)

Gene: BICD2 (BICD cargo adaptor 2; minus strand). Cytogenetic location: 9q22.31.
Variant type: single nucleotide variant.
Coding change: c.2008G>A on transcript NM_001003800.2 (MANE Select); coding-DNA position 2008, G replaced by A.
Protein change: p.Glu670Lys; replaces glutamic acid 670 with lysine.
Molecular consequence: missense variant.
Genome position (GRCh38, 1-based): chr9:92,718,637, C>T on the plus strand (G>A on the coding strand, the complement: BICD2 is on the minus strand). VCF-style: chr9-92718637-C-T. GRCh37 (hg19) VCF-style: chr9-95480919-C-T.
Other names: c.2008G>A, p.Glu670Lys (NM_015250.4); c.2008G>A (NM_001003800.1); short protein forms E670K.
Identifiers: ClinVar variation 1486395 (VCV001486395.9), dbSNP rs372899268, ClinGen allele CA196339794.
Genomic context (GRCh38, chr9:92,718,637, plus strand): 5'-TCTGCTCCCGCTTGGTGCTGAGCAGCGACTTCAGCTTGAGGATCTCCTCCATAAGCGCTT[C>T]CTTGTCCTTGTCCACGGCGGGGCCCAGCTCCTGAGAGGCAATGCGCTGGCGTGACAGCTC-3'
Protein context (NP_001003800.1, residues 660-680): ELGPAVDKDK[Glu670Lys]ALMEEILKLK